The following is an entry in ClinVar:

ClinVar aggregate classification (germline): Uncertain significance. Review status: criteria provided, multiple submitters, no conflicts (2 of 4 stars). 2 submissions from 2 submitters: Uncertain significance (2). Last evaluated 2024-11-11.

Conditions:
DKC1-related disorder. Also called: DKC1-related condition. Identifiers: MedGen CN294808, MONDO:0100152.
Dyskeratosis congenita. Identifiers: Orphanet 1775, MedGen C0265965, MONDO:0015780.

gnomAD v4.1: 1 of 1,211,573 alleles (0.000083%); no homozygotes.

Submissions (2):

Labcorp Genetics (formerly Invitae), Labcorp
Classification: Uncertain significance for Dyskeratosis congenita. Last evaluated: 2024-11-11. Review status: criteria provided, single submitter. Criteria: Invitae Variant Classification Sherloc (09022015). Collection method: clinical testing. Allele origin: germline.
Comment: This sequence change replaces alanine, which is neutral and non-polar, with threonine, which is neutral and polar, at codon 162 of the DKC1 protein (p.Ala162Thr). This variant is not present in population databases (gnomAD no frequency). This variant has not been reported in the literature in individuals affected with DKC1-related conditions. ClinVar contains an entry for this variant (Variation ID: 1047250). Invitae Evidence Modeling of protein sequence and biophysical properties (such as structural, functional, and spatial information, amino acid conservation, physicochemical variation, residue mobility, and thermodynamic stability) indicates that this missense variant is not expected to disrupt DKC1 protein function with a negative predictive value of 80%. In summary, the available evidence is currently insufficient to determine the role of this variant in disease. Therefore, it has been classified as a Variant of Uncertain Significance.

PreventionGenetics, part of Exact Sciences
Classification: Uncertain significance for DKC1-related condition. Last evaluated: 2022-09-15. Review status: criteria provided, single submitter. Criteria: ACMG Guidelines, 2015. Collection method: clinical testing. Allele origin: germline.
Comment: The DKC1 c.484G>A variant is predicted to result in the amino acid substitution p.Ala162Thr. To our knowledge, this variant has not been reported in the literature or in a large population database, indicating this variant is rare. At this time, the clinical significance of this variant is uncertain due to the absence of conclusive functional and genetic evidence.

NM_001363.5(DKC1):c.484G>A (p.Ala162Thr)

Gene: DKC1 (dyskerin pseudouridine synthase 1; plus strand). Cytogenetic location: Xq28.
Variant type: single nucleotide variant.
Coding change: c.484G>A on transcript NM_001363.5 (MANE Select); coding-DNA position 484, G replaced by A.
Protein change: p.Ala162Thr; replaces alanine 162 with threonine.
Molecular consequence: missense variant. On other transcripts: non-coding transcript variant (3).
Genome position (GRCh38, 1-based): chrX:154,767,032, G>A. VCF-style: chrX-154767032-G-A. GRCh37 (hg19) VCF-style: chrX-153995307-G-A.
Other names: c.484G>A, p.Ala162Thr (NM_001142463.3, NM_001288747.2); c.484G>A (NM_001363.4); short protein forms A162T.
Identifiers: ClinVar variation 1047250 (VCV001047250.8), dbSNP rs2071754474, ClinGen allele CA414890029.